The following is an entry in ClinVar:

NM_032776.3(JMJD1C):c.3473_3478del (p.Gly1158_Leu1159del)

Gene: JMJD1C (jumonji domain containing 1C; minus strand). Cytogenetic location: 10q21.3.
Variant type: Deletion.
Coding change: c.3473_3478del on transcript NM_032776.3 (MANE Select); coding-DNA positions 3473 to 3478, 6 bases deleted (GTTTAG; older notation c.3473_3478delGTTTAG).
Protein change: p.Gly1158_Leu1159del.
Molecular consequence: inframe deletion. On other transcripts: non-coding transcript variant (1).
Genome position (GRCh38, 1-based): chr10:63,208,191-63,208,196, CTAAAC deleted on the plus strand (GTTTAG on the coding strand, the reverse complement: JMJD1C is on the minus strand); deleting any 6 consecutive bases within chr10:63,208,191-63,208,198 gives the same sequence; the c. name uses the placement nearest the transcript's 3' end. VCF-style (leftmost placement, unchanged base first): chr10-63208190-ACTAAAC-A. GRCh37 (hg19) VCF-style: chr10-64967950-ACTAAAC-A.
Other names: c.2927_2932del, p.Gly976_Leu977del (NM_001282948.2, NM_001318154.2); c.2609_2614del, p.Gly870_Leu871del (NM_001318153.2); c.3359_3364del, p.Gly1120_Leu1121del (NM_001322252.2); c.2816_2821del, p.Gly939_Leu940del (NM_001322254.2, NM_001322258.2); c.3473_3478del6 (NM_032776.2); c.3473_3478del (NM_032776.2).
Identifiers: ClinVar variation 529718 (VCV000529718.14), dbSNP rs139722368, ClinGen allele CA5518427.

ClinVar aggregate classification (germline): Benign. Review status: criteria provided, single submitter (1 of 4 stars). 2 submissions from 2 submitters: Benign (1). 1 of the submissions does not count toward it. Last evaluated 2026-02-03.

Conditions:
JMJD1C-related disorder. Also called: JMJD1C-related condition.
Early Myoclonic Encephalopathy. Identifiers: MedGen C0270855.

Submissions (2):

Labcorp Genetics (formerly Invitae), Labcorp
Classification: Benign for Early Myoclonic Encephalopathy. Last evaluated: 2026-02-03. Review status: criteria provided, single submitter. Criteria: Invitae Variant Classification Sherloc (09022015). Collection method: clinical testing. Allele origin: germline.

PreventionGenetics, part of Exact Sciences
Classification: Benign for JMJD1C-related condition. Last evaluated: 2019-03-21. Review status: no assertion criteria provided. Collection method: clinical testing. Allele origin: germline. Not counted in ClinVar's aggregate classification.
Comment: This variant is classified as benign based on ACMG/AMP sequence variant interpretation guidelines (Richards et al. 2015 PMID: 25741868, with internal and published modifications).